The following is an entry in ClinVar:

ClinVar aggregate classification (germline): Likely pathogenic (1 of 4 stars; one submission).

Conditions:
Adams-Oliver syndrome 6 (AOS6). Identifiers: Orphanet 974, MedGen C4225271, MONDO:0014703, OMIM 616589.

Submission:

Variantyx, Inc.
Classification: Likely pathogenic for Adams-Oliver syndrome 6. Last evaluated: 2025-09-02. Review status: criteria provided, single submitter. Criteria: Variantyx Assertion Criteria 2022. Collection method: clinical testing. Allele origin: de novo. Inheritance: Autosomal dominant inheritance. Affected: yes.
Comment: This is an intronic variant in the DLL4 gene (OMIM: 605185). Pathogenic variants in this gene have been associated with autosomal dominant Adams-Oliver syndrome 6. Algorithms that predict the potential impact of sequence variants on RNA splicing suggest that this variant may disrupt normal splicing (PP3). A different variant (c.1240+5C) has been reported in this location in the heterozygous state in at least one unrelated affected individuals (PMID:29924900). This variant is absent from control populations (PM2). Based on the current evidence, this variant is classified as likely pathogenic for autosomal dominant Adams-Oliver syndrome 6.This variant was reported by previous genetic testing.

Literature cited by the submitters: PubMed 29924900.

NM_019074.4(DLL4):c.1240+5G>A

Gene: DLL4 (delta like canonical Notch ligand 4; plus strand). Cytogenetic location: 15q15.1.
Variant type: single nucleotide variant.
Coding change: c.1240+5G>A on transcript NM_019074.4 (MANE Select); 5 bases into the intron after coding-DNA position 1240, G replaced by A.
Molecular consequence: intron variant.
Genome position (GRCh38, 1-based): chr15:40,935,122, G>A. VCF-style: chr15-40935122-G-A. GRCh37 (hg19) VCF-style: chr15-41227320-G-A.
Identifiers: ClinVar variation 4849991 (VCV004849991.1).
Genomic context (GRCh38, chr15:40,935,122, plus strand): 5'-CGGCTCCAACTGCGAGAAGAAAGTGGACAGGTGCACCAGCAACCCCTGTGCCAACGGTGC[G>A]TGCTGCTGCCCTGCTAACCTGGTGGACTGGCCCTGGGGCTGAGAGAGACTTCTGGTGAGG-3'